The following is an entry in ClinVar:

NM_020944.3(GBA2):c.2735G>A (p.Gly912Glu)

Gene: GBA2 (glucosylceramidase beta 2; minus strand). Cytogenetic location: 9p13.3.
Variant type: single nucleotide variant.
Coding change: c.2735G>A on transcript NM_020944.3 (MANE Select); coding-DNA position 2735, G replaced by A.
Protein change: p.Gly912Glu; replaces glycine 912 with glutamic acid.
Molecular consequence: missense variant. On other transcripts: 3 prime UTR variant (1).
Genome position (GRCh38, 1-based): chr9:35,737,218, C>T on the plus strand (G>A on the coding strand, the complement: GBA2 is on the minus strand). VCF-style: chr9-35737218-C-T. GRCh37 (hg19) VCF-style: chr9-35737215-C-T.
Other names: c.*258G>A (NM_001330660.2); short protein forms G912E.
Identifiers: ClinVar variation 2181334 (VCV002181334.4), dbSNP rs2490818915, ClinGen allele CA373400553.

ClinVar aggregate classification (germline): Uncertain significance (1 of 4 stars; one submission).

Conditions:
Spastic paraplegia. Identifiers: MedGen C0037772, HP:0001258.

Submission:

Labcorp Genetics (formerly Invitae), Labcorp
Classification: Uncertain significance for Spastic paraplegia. Last evaluated: 2022-08-06. Review status: criteria provided, single submitter. Criteria: Invitae Variant Classification Sherloc (09022015). Collection method: clinical testing. Allele origin: germline.
Comment: In summary, the available evidence is currently insufficient to determine the role of this variant in disease. Therefore, it has been classified as a Variant of Uncertain Significance. Algorithms developed to predict the effect of missense changes on protein structure and function output the following: SIFT: "Tolerated"; PolyPhen-2: "Benign"; Align-GVGD: "Class C0". The glutamic acid amino acid residue is found in multiple mammalian species, which suggests that this missense change does not adversely affect protein function. This variant has not been reported in the literature in individuals affected with GBA2-related conditions. This variant is not present in population databases (gnomAD no frequency). This sequence change replaces glycine, which is neutral and non-polar, with glutamic acid, which is acidic and polar, at codon 912 of the GBA2 protein (p.Gly912Glu).